The following is an entry in ClinVar:

ClinVar aggregate classification (germline): Uncertain significance. Review status: criteria provided, multiple submitters, no conflicts (2 of 4 stars). 2 submissions from 2 submitters: Uncertain significance (2). Last evaluated 2024-11-03.

Conditions:
Inborn genetic diseases. Identifiers: MedGen C0950123, MeSH D030342.

Allele frequency attached by ClinVar (database versions not stated): ExAC 0.00001; gnomAD 0.00001; gnomAD exomes 0.00001; TOPMed 0.00003.
gnomAD v4.1: 17 of 1,605,514 alleles (0.0011%); highest among the groups gnomAD compares: Middle Eastern, 0.016%; no homozygotes.

Submissions (2):

Labcorp Genetics (formerly Invitae), Labcorp
Classification: Uncertain significance. Last evaluated: 2024-11-03. Review status: criteria provided, single submitter. Criteria: Invitae Variant Classification Sherloc (09022015). Collection method: clinical testing. Allele origin: germline.
Comment: This sequence change replaces aspartic acid, which is acidic and polar, with asparagine, which is neutral and polar, at codon 103 of the SLC9A3 protein (p.Asp103Asn). The frequency data for this variant in the population databases is considered unreliable, as metrics indicate poor data quality at this position in the gnomAD database. This variant has not been reported in the literature in individuals affected with SLC9A3-related conditions. ClinVar contains an entry for this variant (Variation ID: 1914818). Invitae Evidence Modeling of protein sequence and biophysical properties (such as structural, functional, and spatial information, amino acid conservation, physicochemical variation, residue mobility, and thermodynamic stability) indicates that this missense variant is not expected to disrupt SLC9A3 protein function with a negative predictive value of 80%. In summary, the available evidence is currently insufficient to determine the role of this variant in disease. Therefore, it has been classified as a Variant of Uncertain Significance.

Ambry Genetics
Classification: Uncertain significance for Inborn genetic diseases. Last evaluated: 2022-08-01. Review status: criteria provided, single submitter. Criteria: Ambry Variant Classification Scheme 2023. Collection method: clinical testing. Allele origin: germline.

NM_004174.4(SLC9A3):c.307G>A (p.Asp103Asn)

Gene: SLC9A3 (solute carrier family 9 member A3). Cytogenetic location: 5p15.33.
Variant type: single nucleotide variant.
Coding change: c.307G>A on transcript NM_004174.4 (MANE Select); coding-DNA position 307, G replaced by A.
Protein change: p.Asp103Asn; replaces aspartic acid 103 with asparagine.
Molecular consequence: missense variant.
Genome position (GRCh38, 1-based): chr5:491,976, C>T on the plus strand (G>A on the coding strand, the complement: SLC9A3 is on the minus strand). VCF-style: chr5-491976-C-T. GRCh37 (hg19) VCF-style: chr5-492091-C-T.
Other names: c.307G>A, p.Asp103Asn (NM_001284351.3); short protein forms D103N.
Identifiers: ClinVar variation 1914818 (VCV001914818.6), dbSNP rs747669825, ClinGen allele CA3176371.